The following is an entry in ClinVar:

ClinVar aggregate classification (germline): Pathogenic/Likely pathogenic. Review status: criteria provided, multiple submitters, no conflicts (2 of 4 stars). 2 submissions from 2 submitters: Pathogenic (1); Likely pathogenic (1). Last evaluated 2022-03-12.

Conditions:
ARF1-related disorder. Also called: ARF1-related condition.
Periventricular nodular heterotopia 8. Identifiers: MedGen C4748602, MONDO:0032588, OMIM 618185.

Submissions (2):

Groupe Hospitalier Pitie Salpetriere, Uf Genomique Du Developpement, Assistance Publique Hopitaux de Paris Sorbonne Université
Classification: Pathogenic for Periventricular nodular heterotopia 8. Last evaluated: 2022-03-12. Review status: criteria provided, single submitter. Criteria: ACMG Guidelines, 2015. Collection method: clinical testing. Allele origin: de novo. Affected: yes.
Comment: PS2, PM2, PM5, PP3, PP2

Blueprint Genetics
Classification: Likely pathogenic for ARF1-related disorders. Last evaluated: 2020-06-01. Review status: criteria provided, single submitter. Criteria: ACMG Guidelines, 2015. Collection method: clinical testing. Allele origin: de novo. Affected: yes. Observed: 1 variant allele.

NM_001658.4(ARF1):c.103T>G (p.Tyr35Asp)

Genes: ARF1 (ARF GTPase 1; plus strand), LOC126806039 (CDK7 strongly-dependent group 2 enhancer GRCh37_chr1:228284937-228286136; plus strand). Cytogenetic location: 1q42.13.
Variant type: single nucleotide variant.
Coding change: c.103T>G on transcript NM_001658.4 (MANE Select); coding-DNA position 103, T replaced by G.
Protein change: p.Tyr35Asp; replaces tyrosine 35 with aspartic acid.
Molecular consequence: missense variant.
Genome position (GRCh38, 1-based): chr1:228,097,217, T>G. VCF-style: chr1-228097217-T-G. GRCh37 (hg19) VCF-style: chr1-228284918-T-G.
Other names: c.103T>G, p.Tyr35Asp (NM_001024226.2, NM_001024227.1, NM_001024228.2); short protein forms Y35D.
Identifiers: ClinVar variation 1343802 (VCV001343802.2), dbSNP rs879036238, ClinGen allele CA345077848.